The following is an entry in ClinVar:

ClinVar aggregate classification (germline): Likely pathogenic (1 of 4 stars; one submission).

Allele frequency attached by ClinVar (database versions not stated): TOPMed below 0.00001; gnomAD exomes 0.00001.
gnomAD v4.1: 14 of 1,614,200 alleles (0.00087%); highest among the groups gnomAD compares: Non-Finnish European, 0.0012%; no homozygotes.

Submission:

Labcorp Genetics (formerly Invitae), Labcorp
Classification: Likely pathogenic. Last evaluated: 2025-10-23. Review status: criteria provided, single submitter. Criteria: Invitae Variant Classification Sherloc (09022015). Collection method: clinical testing. Allele origin: germline.
Comment: This sequence change affects a donor splice site in intron 14 of the DUOX2 gene. It is expected to disrupt RNA splicing. Variants that disrupt the donor or acceptor splice site typically lead to a loss of protein function (PMID: 16199547), and loss-of-function variants in DUOX2 are known to be pathogenic (PMID: 12110737, 18765513, 21565790, 24423310, 24735383). This variant is present in population databases (no rsID available, gnomAD 0.0009%). This variant has not been reported in the literature in individuals affected with DUOX2-related conditions. ClinVar contains an entry for this variant (Variation ID: 2992314). Algorithms developed to predict the effect of sequence changes on RNA splicing suggest that this variant may disrupt the consensus splice site. In summary, the currently available evidence indicates that the variant is pathogenic, but additional data are needed to prove that conclusively. Therefore, this variant has been classified as Likely Pathogenic.

Literature cited by the submitters: PubMed 16199547; PubMed 12110737; PubMed 18765513; PubMed 21565790; PubMed 24423310; PubMed 24735383.

NM_001363711.2(DUOX2):c.1693+1G>C

Gene: DUOX2 (dual oxidase 2; minus strand). Cytogenetic location: 15q21.1.
Variant type: single nucleotide variant.
Coding change: c.1693+1G>C on transcript NM_001363711.2 (MANE Select); the canonical splice donor site of the intron after coding-DNA position 1693, G replaced by C.
Molecular consequence: splice donor variant.
Genome position (GRCh38, 1-based): chr15:45,107,344, C>G on the plus strand (G>C on the coding strand, the complement: DUOX2 is on the minus strand). VCF-style: chr15-45107344-C-G. GRCh37 (hg19) VCF-style: chr15-45399542-C-G.
Other names: c.1693+1G>C (NM_014080.5).
Identifiers: ClinVar variation 2992314 (VCV002992314.4), dbSNP rs1268230987, ClinGen allele CA392274473.